The following is an entry in ClinVar:

NM_005502.4(ABCA1):c.1055-7T>C

Gene: ABCA1 (ATP binding cassette subfamily A member 1; minus strand). Cytogenetic location: 9q31.1.
Variant type: single nucleotide variant.
Coding change: c.1055-7T>C on transcript NM_005502.4 (MANE Select); 7 bases into the intron before coding-DNA position 1055, T replaced by C.
Molecular consequence: intron variant.
Genome position (GRCh38, 1-based): chr9:104,837,574, A>G on the plus strand (T>C on the coding strand, the complement: ABCA1 is on the minus strand). VCF-style: chr9-104837574-A-G. GRCh37 (hg19) VCF-style: chr9-107599855-A-G.
Identifiers: ClinVar variation 364448 (VCV000364448.39), dbSNP rs199586194, ClinGen allele CA5169125.

ClinVar aggregate classification (germline): Benign/Likely benign. Review status: criteria provided, multiple submitters, no conflicts (2 of 4 stars). 7 submissions from 6 submitters: Benign (4); Likely benign (3). Last evaluated 2026-01-19.

Conditions:
Hypoalphalipoproteinemia, primary, 1. Identifiers: Orphanet 425, MedGen C5231558, MONDO:0011393, OMIM 604091.
Tangier disease (TGD). Also called: HIGH DENSITY LIPOPROTEIN DEFICIENCY, TANGIER TYPE; HIGH DENSITY LIPOPROTEIN DEFICIENCY, TYPE 1; Cholesterol thesaurismosis. Identifiers: Orphanet 31150, MedGen C0039292, MONDO:0008783, OMIM 205400.

Allele frequency attached by ClinVar (database versions not stated): ESP Exome Variant Server 0.00054; gnomAD 0.00055 and 0.00073; TOPMed 0.00060; 1000 Genomes Project 0.00140; ExAC 0.00154; 1000 Genomes Project 30x 0.00156; gnomAD exomes 0.00163.
gnomAD v4.1: 1,611 of 1,613,844 alleles (0.1%); highest among the groups gnomAD compares: Middle Eastern, 0.82%; 15 homozygotes.

Submissions (7):

Labcorp Genetics (formerly Invitae), Labcorp
Classification: Benign. Last evaluated: 2026-01-19. Review status: criteria provided, single submitter. Criteria: Invitae Variant Classification Sherloc (09022015). Collection method: clinical testing. Allele origin: germline.

CeGaT Center for Human Genetics Tuebingen
Classification: Likely benign. Last evaluated: 2022-07-01. Review status: criteria provided, single submitter. Criteria: CeGaT Center For Human Genetics Tuebingen Variant Classification Criteria Version 2. Collection method: clinical testing. Allele origin: germline. Affected: yes. Observed: 1 variant allele.
Comment: ABCA1: BP4

GeneDx
Classification: Benign. Last evaluated: 2020-03-10. Review status: criteria provided, single submitter. Criteria: GeneDx Variant Classification Process June 2021. Collection method: clinical testing. Allele origin: germline. Affected: yes.

Women's Health and Genetics/Laboratory Corporation of America, LabCorp
Classification: Benign. Last evaluated: 2018-02-26. Review status: criteria provided, single submitter. Criteria: LabCorp Variant Classification Summary - May 2015. Collection method: clinical testing. Allele origin: germline.
Comment: Variant summary: ABCA1 c.1055-7T>C alters a non-conserved nucleotide located close to a canonical splice site and therefore could affect mRNA splicing, leading to a significantly altered protein sequence. 5/5 computational tools predict no significant impact on normal splicing. However, these predictions have yet to be confirmed by functional studies. The variant allele was found at a frequency of 0.0015 in 276596 control chromosomes in the gnomAD database, including 4 homozygotes. The observed variant frequency is approximately 122.92 fold of the estimated maximal expected allele frequency for a pathogenic variant in ABCA1 causing Early Onset Coronary Artery Disease phenotype (1.3e-05), strongly suggesting that the variant is benign. To our knowledge, no occurrence of c.1055-7T>C in individuals affected with Early Onset Coronary Artery Disease and no experimental evidence demonstrating its impact on protein function have been reported. One clinical diagnostic laboratory has submitted clinical-significance assessments for this variant to ClinVar after 2014 without evidence for independent evaluation, classifying the variant as likely benign. Based on the evidence outlined above, the variant was classified as benign.

Illumina Laboratory Services, Illumina
Classification: Benign for Hypoalphalipoproteinemia, primary, 1. Last evaluated: 2018-01-13. Review status: criteria provided, single submitter. Criteria: ICSL Variant Classification Criteria 13 December 2019. Collection method: clinical testing. Allele origin: germline.
Comment: This variant was observed in the ICSL laboratory as part of a predisposition screen in an ostensibly healthy population. It had not been previously curated by ICSL or reported in the Human Gene Mutation Database (HGMD: prior to June 1st, 2018), and was therefore a candidate for classification through an automated scoring system. Utilizing variant allele frequency, disease prevalence and penetrance estimates, and inheritance mode, an automated score was calculated to assess if this variant is too frequent to cause the disease. Based on the score and internal cut-off values, a variant classified as benign is not then subjected to further curation. The score for this variant resulted in a classification of benign for this disease.

Illumina Laboratory Services, Illumina
Classification: Likely benign for Tangier disease. Last evaluated: 2018-01-13. Review status: criteria provided, single submitter. Criteria: ICSL Variant Classification Criteria 13 December 2019. Collection method: clinical testing. Allele origin: germline.
Comment: This variant was observed in the ICSL laboratory as part of a predisposition screen in an ostensibly healthy population. It had not been previously curated by ICSL or reported in the Human Gene Mutation Database (HGMD: prior to June 1st, 2018), and was therefore a candidate for classification through an automated scoring system. Utilizing variant allele frequency, disease prevalence and penetrance estimates, and inheritance mode, an automated score was calculated to assess if this variant is too frequent to cause the disease. Based on the score and internal cut-off values, a variant classified as likely benign is not then subjected to further curation. The score for this variant resulted in a classification of likely benign for this disease.

Breakthrough Genomics
Classification: Likely benign. Review status: criteria provided, single submitter. Criteria: ACMG Guidelines, 2015. Collection method: not provided. Allele origin: germline. Inheritance: Autosomal recessive inheritance. Affected: yes.